The following is an entry in ClinVar:

ClinVar aggregate classification (germline): Uncertain significance. Review status: criteria provided, multiple submitters, no conflicts (2 of 4 stars). 2 submissions from 2 submitters: Uncertain significance (2). Last evaluated 2022-06-02.

Conditions:
Usher syndrome type 1C. Also called: USHER SYNDROME, TYPE I, ACADIAN VARIETY. Identifiers: Orphanet 231169, Orphanet 886, MedGen C1848604, MONDO:0010171, OMIM 276904.

Allele frequency attached by ClinVar (database versions not stated): TOPMed 0.00001; gnomAD 0.00002 and 0.00003; ExAC 0.00003; 1000 Genomes Project 30x 0.00016; 1000 Genomes Project 0.00020.
gnomAD v4.1: 20 of 1,576,556 alleles (0.0013%); highest among the groups gnomAD compares: African/African-American, 0.0027%; no homozygotes.

Submissions (2):

Labcorp Genetics (formerly Invitae), Labcorp
Classification: Uncertain significance. Last evaluated: 2022-06-02. Review status: criteria provided, single submitter. Criteria: Invitae Variant Classification Sherloc (09022015). Collection method: clinical testing. Allele origin: germline.
Comment: This sequence change falls in intron 15 of the USH1C gene. It does not directly change the encoded amino acid sequence of the USH1C protein. It affects a nucleotide within the consensus splice site. The frequency data for this variant in the population databases is considered unreliable, as metrics indicate poor data quality at this position in the gnomAD database. This variant has not been reported in the literature in individuals affected with USH1C-related conditions. ClinVar contains an entry for this variant (Variation ID: 878539). Variants that disrupt the consensus splice site are a relatively common cause of aberrant splicing (PMID: 17576681, 9536098). Algorithms developed to predict the effect of sequence changes on RNA splicing suggest that this variant may disrupt the consensus splice site. In summary, the available evidence is currently insufficient to determine the role of this variant in disease. Therefore, it has been classified as a Variant of Uncertain Significance.

Illumina Laboratory Services, Illumina
Classification: Uncertain significance for Usher syndrome type 1C. Last evaluated: 2017-04-27. Review status: criteria provided, single submitter. Criteria: ICSL Variant Classification Criteria 13 December 2019. Collection method: clinical testing. Allele origin: germline.

Literature cited by the submitters: PubMed 17576681 (cited by Labcorp Genetics (formerly Invitae), Labcorp); PubMed 9536098 (cited by Labcorp Genetics (formerly Invitae), Labcorp).

NM_153676.4(USH1C):c.1211-1106G>A

Gene: USH1C (USH1 protein network component harmonin; minus strand). Cytogenetic location: 11p15.1.
Variant type: single nucleotide variant.
Coding change: c.1211-1106G>A on transcript NM_153676.4 (MANE Select); 1106 bases into the intron before coding-DNA position 1211, G replaced by A.
Molecular consequence: intron variant.
Genome position (GRCh38, 1-based): chr11:17,517,396, C>T on the plus strand (G>A on the coding strand, the complement: USH1C is on the minus strand). VCF-style: chr11-17517396-C-T. GRCh37 (hg19) VCF-style: chr11-17538943-C-T.
Other names: c.1227+5G>A (NM_001297764.2); c.1284+5G>A (NM_005709.4).
Identifiers: ClinVar variation 878539 (VCV000878539.5), dbSNP rs201661386, ClinGen allele CA5904660.